The following is an entry in ClinVar:

ClinVar aggregate classification (germline): Uncertain significance (1 of 4 stars; one submission).

Conditions:
Inborn genetic diseases. Identifiers: MedGen C0950123, MeSH D030342.

Submission:

Ambry Genetics
Classification: Uncertain significance for Inborn genetic diseases. Last evaluated: 2017-07-27. Review status: criteria provided, single submitter. Criteria: Ambry Variant Classification Scheme 2023. Collection method: clinical testing. Allele origin: germline.
Comment: The p.N41K variant (also known as c.123C>G), located in coding exon 2 of the SLC25A22 gene, results from a C to G substitution at nucleotide position 123. The asparagine at codon 41 is replaced by lysine, an amino acid with similar properties. This amino acid position is highly conserved in available vertebrate species. In addition, this alteration is predicted to be tolerated by in silico analysis. Since supporting evidence is limited at this time, the clinical significance of this alteration remains unclear.

NM_001191061.2(SLC25A22):c.123C>G (p.Asn41Lys)

Gene: SLC25A22 (solute carrier family 25 member 22; minus strand). Cytogenetic location: 11p15.5.
Variant type: single nucleotide variant.
Coding change: c.123C>G on transcript NM_001191061.2 (MANE Select); coding-DNA position 123, C replaced by G.
Protein change: p.Asn41Lys; replaces asparagine 41 with lysine.
Molecular consequence: missense variant.
Genome position (GRCh38, 1-based): chr11:794,799, G>C on the plus strand (C>G on the coding strand, the complement: SLC25A22 is on the minus strand). VCF-style: chr11-794799-G-C. GRCh37 (hg19) VCF-style: chr11-794799-G-C.
Other names: c.123C>G, p.Asn41Lys (NM_001191060.2, NM_024698.6); short protein forms N41K.
Identifiers: ClinVar variation 1757806 (VCV001757806.2), dbSNP rs544915540, ClinGen allele CA378921914.